The following is an entry in ClinVar:

NM_030632.3(ASXL3):c.5633G>A (p.Trp1878Ter)

Gene: ASXL3 (ASXL transcriptional regulator 3; plus strand). Cytogenetic location: 18q12.1.
Variant type: single nucleotide variant.
Coding change: c.5633G>A on transcript NM_030632.3 (MANE Select); coding-DNA position 5633, G replaced by A.
Protein change: p.Trp1878Ter; replaces tryptophan 1878 with a stop codon.
Molecular consequence: nonsense.
Genome position (GRCh38, 1-based): chr18:33,745,481, G>A. VCF-style: chr18-33745481-G-A. GRCh37 (hg19) VCF-style: chr18-31325445-G-A.
Other names: short protein forms W1878*.
Identifiers: ClinVar variation 4683104 (VCV004683104.1).

ClinVar aggregate classification (germline): Likely pathogenic (1 of 4 stars; one submission).

Conditions:
Bainbridge-Ropers syndrome. Also called: Severe feeding difficulties-failure to thrive-microcephaly due to ASXL3 deficiency syndrome. Identifiers: Orphanet 352577, MedGen C4750837, MONDO:0014205, OMIM 615485.

Submission:

Institute of Human Genetics, University of Leipzig Medical Center
Classification: Likely pathogenic for Bainbridge-Ropers syndrome. Last evaluated: 2025-12-17. Review status: criteria provided, single submitter. Criteria: ACMG Guidelines, 2015. Collection method: clinical testing. Allele origin: unknown. Inheritance: Autosomal dominant inheritance. Affected: yes.
Comment: Criteria applied: PM2,PVS1_STR